The following is an entry in ClinVar:

NM_000393.5(COL5A2):c.2614G>A (p.Ala872Thr)

Gene: COL5A2 (collagen type V alpha 2 chain; minus strand). Cytogenetic location: 2q32.2.
Variant type: single nucleotide variant.
Coding change: c.2614G>A on transcript NM_000393.5 (MANE Select); coding-DNA position 2614, G replaced by A.
Protein change: p.Ala872Thr; replaces alanine 872 with threonine.
Molecular consequence: missense variant.
Genome position (GRCh38, 1-based): chr2:189,052,958, C>T on the plus strand (G>A on the coding strand, the complement: COL5A2 is on the minus strand). VCF-style: chr2-189052958-C-T. GRCh37 (hg19) VCF-style: chr2-189917684-C-T.
Other names: short protein forms A872T.
Identifiers: ClinVar variation 2443597 (VCV002443597.1), dbSNP rs764671032, ClinGen allele CA349871130.

ClinVar aggregate classification (germline): Uncertain significance (1 of 4 stars; one submission).

Submission:

GeneDx
Classification: Uncertain significance. Last evaluated: 2023-03-02. Review status: criteria provided, single submitter. Criteria: GeneDx Variant Classification Process June 2021. Collection method: clinical testing. Allele origin: germline. Affected: yes.
Comment: Has not been previously published as pathogenic or benign to our knowledge; Not observed at significant frequency in large population cohorts (gnomAD); In silico analysis supports that this missense variant does not alter protein structure/function